The following is an entry in ClinVar:

NM_152866.3(MS4A1):c.77G>T (p.Gly26Val)

Gene: MS4A1 (membrane spanning 4-domains A1; plus strand). Cytogenetic location: 11q12.2.
Variant type: single nucleotide variant.
Coding change: c.77G>T on transcript NM_152866.3 (MANE Select); coding-DNA position 77, G replaced by T.
Protein change: p.Gly26Val; replaces glycine 26 with valine.
Molecular consequence: missense variant.
Genome position (GRCh38, 1-based): chr11:60,462,451, G>T. VCF-style: chr11-60462451-G-T. GRCh37 (hg19) VCF-style: chr11-60229924-G-T.
Other names: c.77G>T, p.Gly26Val (NM_021950.4, NM_152867.2); short protein forms G26V.
Identifiers: ClinVar variation 2045523 (VCV002045523.4), dbSNP rs1453889572, ClinGen allele CA380597779.

ClinVar aggregate classification (germline): Uncertain significance (1 of 4 stars; one submission).

Allele frequency attached by ClinVar (database versions not stated): gnomAD exomes below 0.00001.
gnomAD v4.1: 1 of 1,614,154 alleles (0.000062%); highest among the groups gnomAD compares: East Asian, 0.0022%; no homozygotes.

Submission:

Labcorp Genetics (formerly Invitae), Labcorp
Classification: Uncertain significance. Last evaluated: 2025-04-07. Review status: criteria provided, single submitter. Criteria: Invitae Variant Classification Sherloc (09022015). Collection method: clinical testing. Allele origin: germline.
Comment: This sequence change replaces glycine, which is neutral and non-polar, with valine, which is neutral and non-polar, at codon 26 of the MS4A1 protein (p.Gly26Val). This variant is present in population databases (no rsID available, gnomAD 0.006%). This variant has not been reported in the literature in individuals affected with MS4A1-related conditions. ClinVar contains an entry for this variant (Variation ID: 2045523). An algorithm developed to predict the effect of missense changes on protein structure and function outputs the following: PolyPhen-2: "Benign". The valine amino acid residue is found in multiple mammalian species, which suggests that this missense change does not adversely affect protein function. In summary, the available evidence is currently insufficient to determine the role of this variant in disease. Therefore, it has been classified as a Variant of Uncertain Significance.